The following is an entry in ClinVar:

ClinVar aggregate classification (germline): Uncertain significance (1 of 4 stars; one submission).

gnomAD v4.1: 41 of 1,613,966 alleles (0.0025%); highest among the groups gnomAD compares: Middle Eastern, 0.016%; no homozygotes.

Submission:

Labcorp Genetics (formerly Invitae), Labcorp
Classification: Uncertain significance. Last evaluated: 2025-10-01. Review status: criteria provided, single submitter. Criteria: Invitae Variant Classification Sherloc (09022015). Collection method: clinical testing. Allele origin: germline.
Comment: This sequence change replaces arginine, which is basic and polar, with histidine, which is basic and polar, at codon 543 of the FAT2 protein (p.Arg543His). This variant is present in population databases (rs778707746, gnomAD 0.01%). This variant has not been reported in the literature in individuals affected with FAT2-related conditions. ClinVar contains an entry for this variant (Variation ID: 3635970). Invitae Evidence Modeling of protein sequence and biophysical properties (such as structural, functional, and spatial information, amino acid conservation, physicochemical variation, residue mobility, and thermodynamic stability) indicates that this missense variant is not expected to disrupt FAT2 protein function with a negative predictive value of 80%. In summary, the available evidence is currently insufficient to determine the role of this variant in disease. Therefore, it has been classified as a Variant of Uncertain Significance.

NM_001447.3(FAT2):c.1628G>A (p.Arg543His)

Gene: FAT2 (FAT atypical cadherin 2; minus strand). Cytogenetic location: 5q33.1.
Variant type: single nucleotide variant.
Coding change: c.1628G>A on transcript NM_001447.3 (MANE Select); coding-DNA position 1628, G replaced by A.
Protein change: p.Arg543His; replaces arginine 543 with histidine.
Molecular consequence: missense variant.
Genome position (GRCh38, 1-based): chr5:151,567,304, C>T on the plus strand (G>A on the coding strand, the complement: FAT2 is on the minus strand). VCF-style: chr5-151567304-C-T. GRCh37 (hg19) VCF-style: chr5-150946865-C-T.
Other names: short protein forms R543H.
Identifiers: ClinVar variation 3635970 (VCV003635970.2).
Genomic context (GRCh38, chr5:151,567,304, plus strand): 5'-ATAGGCTGGTTGTCATTCAAGTTCCTGAGCTGAAGAAAAATGGACACTTCCTTCTCCCGG[C>T]GAAAAGGGGATCCCCAGTCTGATGCTCTTACCCGGAAGGTATAAATTCTTTTCATGAGTT-3'
Protein context (NP_001438.1, residues 533-553): VRASDWGSPF[Arg543His]REKEVSIFLQ